The following is an entry in ClinVar:

ClinVar aggregate classification (germline): Likely benign (1 of 4 stars; one submission).

Submission:

CeGaT Center for Human Genetics Tuebingen
Classification: Likely benign. Last evaluated: 2025-10-01. Review status: criteria provided, single submitter. Criteria: CeGaT Center For Human Genetics Tuebingen Variant Classification Criteria Version 2. Collection method: clinical testing. Allele origin: germline. Affected: yes. Observed: 1 variant allele.
Comment: POM121C: BP4, BP7

NM_001099415.3(POM121C):c.1083A>G (p.Ser361=)

Gene: POM121C (POM121 transmembrane nucleoporin C; minus strand). Cytogenetic location: 7q11.23.
Variant type: single nucleotide variant.
Coding change: c.1083A>G on transcript NM_001099415.3 (MANE Select); coding-DNA position 1083, A replaced by G.
Protein change: p.Ser361=; no amino-acid change (serine 361 retained).
Molecular consequence: synonymous variant.
Genome position (GRCh38, 1-based): chr7:75,423,169, T>C on the plus strand (A>G on the coding strand, the complement: POM121C is on the minus strand). VCF-style: chr7-75423169-T-C. GRCh37 (hg19) VCF-style: chr7-75052452-T-C.
Identifiers: ClinVar variation 4534968 (VCV004534968.6).